The following is an entry in ClinVar:

NM_175914.5(HNF4A):c.*2786C>T

Gene: HNF4A (hepatocyte nuclear factor 4 alpha; plus strand). Cytogenetic location: 20q13.12.
Variant type: single nucleotide variant.
Coding change: c.*2786C>T on transcript NM_175914.5 (MANE Select); 2786 bases downstream of the stop codon, C replaced by T.
Molecular consequence: 3 prime UTR variant.
Genome position (GRCh38, 1-based): chr20:44,432,451, C>T. VCF-style: chr20-44432451-C-T. GRCh37 (hg19) VCF-style: chr20-43061091-C-T.
Other names: c.*2786C>T (NM_000457.6, NM_001030003.3, NM_001258355.2 and 3 more transcripts).
Identifiers: ClinVar variation 896939 (VCV000896939.5), dbSNP rs113417800, ClinGen allele CA315422827.

ClinVar aggregate classification (germline): Benign/Likely benign. Review status: criteria provided, multiple submitters, no conflicts (2 of 4 stars). 3 submissions from 2 submitters: Benign (2); Likely benign (1). Last evaluated 2018-01-13.

Conditions:
Maturity-onset diabetes of the young type 1. Also called: MODY type 1; Diabetes mellitus MODY type 1; MODY HNF4A related; MILD JUVENILE DIABETES MELLITUS; HNF4A-Related Maturity-Onset Diabetes of the Young Type 1; MODY, type I. Identifiers: Orphanet 552, MedGen C1852093, MONDO:0007452, OMIM 125850. Disease mechanism: loss of function.
Maturity-onset diabetes of the young (MODY). Also called: Maturity onset diabetes mellitus in young. Identifiers: Orphanet 552, MedGen C0342276, MONDO:0018911, HP:0004904.
Familial hyperinsulinism. Also called: Congenital hyperinsulinism. Identifiers: Orphanet 276525, MedGen C3888018, MONDO:0017182. Disease mechanism: loss of function.

Allele frequency attached by ClinVar (database versions not stated): 1000 Genomes Project 30x 0.00265; 1000 Genomes Project 0.00300; gnomAD 0.00409 and 0.00435; TOPMed 0.00421.

Submissions (3):

Illumina Laboratory Services, Illumina
Classification: Likely benign for Familial hyperinsulinism. Last evaluated: 2018-01-13. Review status: criteria provided, single submitter. Criteria: ICSL Variant Classification Criteria 13 December 2019. Collection method: clinical testing. Allele origin: germline.
Comment: This variant was observed in the ICSL laboratory as part of a predisposition screen in an ostensibly healthy population. It had not been previously curated by ICSL or reported in the Human Gene Mutation Database (HGMD: prior to June 1st, 2018), and was therefore a candidate for classification through an automated scoring system. Utilizing variant allele frequency, disease prevalence and penetrance estimates, and inheritance mode, an automated score was calculated to assess if this variant is too frequent to cause the disease. Based on the score and internal cut-off values, a variant classified as likely benign is not then subjected to further curation. The score for this variant resulted in a classification of likely benign for this disease.

Illumina Laboratory Services, Illumina
Classification: Benign for Maturity-onset diabetes of the young type 1. Last evaluated: 2018-01-13. Review status: criteria provided, single submitter. Criteria: ICSL Variant Classification Criteria 13 December 2019. Collection method: clinical testing. Allele origin: germline.
Comment: This variant was observed in the ICSL laboratory as part of a predisposition screen in an ostensibly healthy population. It had not been previously curated by ICSL or reported in the Human Gene Mutation Database (HGMD: prior to June 1st, 2018), and was therefore a candidate for classification through an automated scoring system. Utilizing variant allele frequency, disease prevalence and penetrance estimates, and inheritance mode, an automated score was calculated to assess if this variant is too frequent to cause the disease. Based on the score and internal cut-off values, a variant classified as benign is not then subjected to further curation. The score for this variant resulted in a classification of benign for this disease.

Clinical Genomics, Uppaluri K&H Personalized Medicine Clinic
Classification: Benign for Maturity-onset diabetes of the young. Review status: criteria provided, single submitter. Criteria: K & H Uppaluri Personalized Medicine Clinic Variant Classification & Assertion Criteria_Updated V.1. Collection method: research. Allele origin: unknown. Inheritance: Autosomal dominant inheritance.
Comment: Potent mutations in HNF4A are associated with poor insulin secretion in response to hyperglycemia. Associated with MODY1. Patients initially respond well to sulfonylureas but eventually become insulin dependent. However, more evidence is required to ascertain the role of this particular variant rs113417800 in MODY, yet.

Literature cited by the submitters: DOI 10.1159/000334532 (cited by Clinical Genomics, Uppaluri K&H Personalized Medicine Clinic); PubMed 18268044 (cited by Clinical Genomics, Uppaluri K&H Personalized Medicine Clinic); PubMed 17563455 (cited by Clinical Genomics, Uppaluri K&H Personalized Medicine Clinic); PubMed 32583173 (cited by Clinical Genomics, Uppaluri K&H Personalized Medicine Clinic); PubMed 35052457 (cited by Clinical Genomics, Uppaluri K&H Personalized Medicine Clinic); PubMed 35118593 (cited by Clinical Genomics, Uppaluri K&H Personalized Medicine Clinic).